The following is an entry in ClinVar:

NM_000336.3(SCNN1B):c.1560G>A (p.Ser520=)

Gene: SCNN1B (sodium channel epithelial 1 subunit beta; plus strand). Cytogenetic location: 16p12.2.
Variant type: single nucleotide variant.
Coding change: c.1560G>A on transcript NM_000336.3 (MANE Select); coding-DNA position 1560, G replaced by A.
Protein change: p.Ser520=; no amino-acid change (serine 520 retained).
Molecular consequence: synonymous variant.
Genome position (GRCh38, 1-based): chr16:23,380,438, G>A. VCF-style: chr16-23380438-G-A. GRCh37 (hg19) VCF-style: chr16-23391759-G-A.
Identifiers: ClinVar variation 887856 (VCV000887856.8), dbSNP rs146440372, ClinGen allele CA7960584.

ClinVar aggregate classification (germline): Conflicting classifications of pathogenicity. Review status: criteria provided, conflicting classifications (1 of 4 stars). 6 submissions from 4 submitters: Uncertain significance (1); Benign (2); Likely benign (3). Last evaluated 2026-09-01.

Conditions:
Bronchiectasis with or without elevated sweat chloride 1 (BESC1). Also called: Cystic Fibrosis-Like Syndrome. Identifiers: Orphanet 60033, MedGen C2749757, MONDO:0008887, OMIM 211400.
Liddle syndrome 1 (LIDLS1). Also called: PSEUDOALDOSTERONISM. Identifiers: Orphanet 526, MedGen CN031472, MONDO:0020607, OMIM 177200.
Pseudohypoaldosteronism, type IB1, autosomal recessive. Also called: Pseudohypoaldosteronism, Type I, Recessive; PHA I, AUTOSOMAL RECESSIVE; Pseudohypoaldosteronism, Type I, Autosomal Recessive; Autosomal recessive pseudohypoaldosteronism type 1. Identifiers: Orphanet 171876, Orphanet 756, MedGen C5774176, MONDO:0009917, OMIM 264350.

Allele frequency attached by ClinVar (database versions not stated): TOPMed 0.00011; ESP Exome Variant Server 0.00015.
gnomAD v4.1: 88 of 1,614,064 alleles (0.0055%); highest among the groups gnomAD compares: Middle Eastern, 0.016%; no homozygotes.

Submissions (6):

CeGaT Center for Human Genetics Tuebingen
Classification: Likely benign. Last evaluated: 2026-09-01. Review status: criteria provided, single submitter. Criteria: CeGaT Center For Human Genetics Tuebingen Variant Classification Criteria Version 2. Collection method: clinical testing. Allele origin: germline. Affected: yes. Observed: 1 variant allele.
Comment: SCNN1B: BP4, BP7

Labcorp Genetics (formerly Invitae), Labcorp
Classification: Likely benign. Last evaluated: 2025-06-04. Review status: criteria provided, single submitter. Criteria: Invitae Variant Classification Sherloc (09022015). Collection method: clinical testing. Allele origin: germline.

Blueprint Genetics
Classification: Likely benign. Last evaluated: 2023-09-15. Review status: criteria provided, single submitter. Criteria: ACMG Guidelines, 2015. Collection method: clinical testing. Allele origin: germline.

Illumina Laboratory Services, Illumina
Classification: Benign for Bronchiectasis with or without elevated sweat chloride 1. Last evaluated: 2017-04-27. Review status: criteria provided, single submitter. Criteria: ICSL Variant Classification Criteria 13 December 2019. Collection method: clinical testing. Allele origin: germline.
Comment: This variant was observed as part of a predisposition screen in an ostensibly healthy population. A literature search was performed for the gene, cDNA change, and amino acid change (where applicable). No publications were found based on this search. Allele frequency data from public databases was too high to be consistent with this variant causing disease. Therefore, this variant is classified as benign.

Illumina Laboratory Services, Illumina
Classification: Benign for Liddle syndrome 1. Last evaluated: 2017-04-27. Review status: criteria provided, single submitter. Criteria: ICSL Variant Classification Criteria 13 December 2019. Collection method: clinical testing. Allele origin: germline.
Comment: the same text as in the submission from Illumina Laboratory Services, Illumina above.

Illumina Laboratory Services, Illumina
Classification: Uncertain significance for Pseudohypoaldosteronism, type IB1, autosomal recessive. Last evaluated: 2017-04-27. Review status: criteria provided, single submitter. Criteria: ICSL Variant Classification Criteria 13 December 2019. Collection method: clinical testing. Allele origin: germline.